The following is an entry in ClinVar:

NM_001042492.3(NF1):c.7321G>A (p.Ala2441Thr)

Gene: NF1 (neurofibromin 1; plus strand). Cytogenetic location: 17q11.2.
Variant type: single nucleotide variant.
Coding change: c.7321G>A on transcript NM_001042492.3 (MANE Select); coding-DNA position 7321, G replaced by A.
Protein change: p.Ala2441Thr; replaces alanine 2441 with threonine.
Molecular consequence: missense variant.
Genome position (GRCh38, 1-based): chr17:31,349,251, G>A. VCF-style: chr17-31349251-G-A. GRCh37 (hg19) VCF-style: chr17-29676269-G-A.
Other names: c.7258G>A, p.Ala2420Thr (NM_000267.4); short protein forms A2420T, A2441T.
Identifiers: ClinVar variation 3879032 (VCV003879032.1).

ClinVar aggregate classification (germline): Likely pathogenic (1 of 4 stars; one submission).

Conditions:
Cardiovascular phenotype. Identifiers: MedGen CN230736.
Hereditary cancer-predisposing syndrome. Also called: Tumor predisposition; Neoplastic Syndromes, Hereditary; Hereditary Cancer Syndrome; Hereditary neoplastic syndrome. Identifiers: Orphanet 140162, MedGen C0027672, MeSH D009386, MONDO:0015356.

Submission:

Ambry Genetics
Classification: Likely pathogenic for Cardiovascular phenotype; Hereditary cancer-predisposing syndrome. Last evaluated: 2025-01-10. Review status: criteria provided, single submitter. Criteria: Ambry Variant Classification Scheme 2023. Collection method: clinical testing. Allele origin: germline.
Comment: The p.A2420T variant (also known as c.7258G>A), located in coding exon 48 of the NF1 gene, results from a G to A substitution at nucleotide position 7258. The alanine at codon 2420 is replaced by threonine, an amino acid with similar properties. However, this change occurs in the last base pair of coding exon 48, which makes it likely to have some effect on normal mRNA splicing. This variant was reported in individual(s) with features consistent with Neurofibromatosis type 1; in at least one individual, it was determined to be de novo (Kang E et al. J Hum Genet, 2020 Jan;65:79-89). This variant is considered to be rare based on population cohorts in the Genome Aggregation Database (gnomAD). This nucleotide position is highly conserved in available vertebrate species. This amino acid position is highly conserved in available vertebrate species. In silico splice site analysis predicts that this alteration will weaken the native splice donor site. In addition, as a missense substitution this is predicted to be inconclusive by in silico analysis. Based on the majority of available evidence to date, this variant is likely to be pathogenic.

Literature cited by the submitters: PubMed 31776437.